The following is an entry in ClinVar:

NM_014806.5(RUSC2):c.3210T>C (p.Ser1070=)

Gene: RUSC2 (RUN and SH3 domain containing 2; plus strand). Cytogenetic location: 9p13.3.
Variant type: single nucleotide variant.
Coding change: c.3210T>C on transcript NM_014806.5 (MANE Select); coding-DNA position 3210, T replaced by C.
Protein change: p.Ser1070=; no amino-acid change (serine 1070 retained).
Molecular consequence: synonymous variant. On other transcripts: non-coding transcript variant (1).
Genome position (GRCh38, 1-based): chr9:35,558,346, T>C. VCF-style: chr9-35558346-T-C. GRCh37 (hg19) VCF-style: chr9-35558343-T-C.
Other names: c.3210T>C, p.Ser1070= (NM_001135999.2); c.576T>C, p.Ser192= (NM_001330740.2).
Identifiers: ClinVar variation 2673173 (VCV002673173.24), dbSNP rs768150713, ClinGen allele CA5044080.

ClinVar aggregate classification (germline): Likely benign. Review status: criteria provided, multiple submitters, no conflicts (2 of 4 stars). 2 submissions from 2 submitters: Likely benign (2). Last evaluated 2023-10-01.

Allele frequency attached by ClinVar (database versions not stated): gnomAD 0.00001; ExAC 0.00003.
gnomAD v4.1: 10 of 1,613,616 alleles (0.00062%); highest among the groups gnomAD compares: Non-Finnish European, 0.00068%; no homozygotes.

Submissions (2):

CeGaT Center for Human Genetics Tuebingen
Classification: Likely benign. Last evaluated: 2023-10-01. Review status: criteria provided, single submitter. Criteria: CeGaT Center For Human Genetics Tuebingen Variant Classification Criteria Version 2. Collection method: clinical testing. Allele origin: germline. Affected: yes. Observed: 1 variant allele.
Comment: RUSC2: BP4, BP7

Blueprint Genetics
Classification: Likely benign. Last evaluated: 2021-09-21. Review status: criteria provided, single submitter. Criteria: ACMG Guidelines, 2015. Collection method: clinical testing. Allele origin: germline.